The following is an entry in ClinVar:

ClinVar aggregate classification (germline): Conflicting classifications of pathogenicity. Review status: criteria provided, conflicting classifications (1 of 4 stars). 3 submissions from 3 submitters: Uncertain significance (1); Benign (1); Likely benign (1). Last evaluated 2026-03-01.

Conditions:
Hyperinsulinemic hypoglycemia. Also called: Hyperinsulinemic hypoglycemia (disease); Hyperinsulinemia hypoglycemia. Identifiers: Orphanet 443095, MedGen C1864903, MONDO:0005803, HP:0000825.
Monogenic diabetes. Identifiers: Orphanet 183625, MedGen C3888631, MONDO:0015967.

Allele frequency attached by ClinVar (database versions not stated): 1000 Genomes Project 0.00020; gnomAD 0.00057 and 0.00060; TOPMed 0.00059; ESP Exome Variant Server 0.00070.
gnomAD v4.1: 1,598 of 1,597,168 alleles (0.1%); highest among the groups gnomAD compares: Non-Finnish European, 0.13%; 1 homozygote.

Submissions (3):

CeGaT Center for Human Genetics Tuebingen
Classification: Likely benign. Last evaluated: 2026-03-01. Review status: criteria provided, single submitter. Criteria: CeGaT Center For Human Genetics Tuebingen Variant Classification Criteria Version 2. Collection method: clinical testing. Allele origin: germline. Affected: yes. Observed: 1 variant allele.
Comment: HADH: BP4

Personalized Diabetes Medicine Program, University of Maryland School of Medicine
Classification: Uncertain significance for Monogenic diabetes. Last evaluated: 2018-01-02. Review status: criteria provided, single submitter. Criteria: ACMG Guidelines, 2015. Collection method: research. Allele origin: unknown. Observed: 1 variant allele, 1 heterozygote.
Comment: ACMG criteria: BP4 (5 predictors)=VUS NOTE: 132 copies in gnomAD

Clinical Genomics, Uppaluri K&H Personalized Medicine Clinic
Classification: Benign for Hyperinsulinemic hypoglycemia. Review status: criteria provided, single submitter. Criteria: K & H Uppaluri Personalized Medicine Clinic Variant Classification & Assertion Criteria_Updated V.1. Collection method: research. Allele origin: unknown. Inheritance: Autosomal recessive inheritance.
Comment: Potent mutations in HADH gene are associated with congenital hyperinsulinism, which leads to recurrent hypoglycemia. The condition is exacerbated by stress, fasting or excessive dietary protein. May respond well to diazoxide. However, the role of this particular variant rs201019894 in congenital hyperinsulinism is yet to be ascertained.

Literature cited by the submitters: PubMed 34547194 (cited by Clinical Genomics, Uppaluri K&H Personalized Medicine Clinic); PubMed 34055426 (cited by Clinical Genomics, Uppaluri K&H Personalized Medicine Clinic); PubMed 29280746 (cited by Clinical Genomics, Uppaluri K&H Personalized Medicine Clinic).

NM_005327.7(HADH):c.710-845C>G

Gene: HADH (hydroxyacyl-CoA dehydrogenase; plus strand). Cytogenetic location: 4q25.
Variant type: single nucleotide variant.
Coding change: c.710-845C>G on transcript NM_005327.7 (MANE Select); 845 bases into the intron before coding-DNA position 710, C replaced by G.
Molecular consequence: intron variant. On other transcripts: missense variant (1).
Genome position (GRCh38, 1-based): chr4:108,032,331, C>G. VCF-style: chr4-108032331-C-G. GRCh37 (hg19) VCF-style: chr4-108953487-C-G.
Other names: c.714C>G, p.Phe238Leu (NM_001184705.4); c.722-845C>G (NM_001331027.2); short protein forms F238L.
Identifiers: ClinVar variation 917463 (VCV000917463.7), dbSNP rs201019894, ClinGen allele CA3037576.